The following is an entry in ClinVar:

ClinVar aggregate classification (germline): Uncertain significance (1 of 4 stars; one submission).

Conditions:
Malignant hyperthermia, susceptibility to, 1 (MHS1). Also called: Anesthesia related hyperthermia; Malignant hyperpyrexia; Fulminating hyperpyrexia; Pharmacogenic myopathy; RYR1-Related Malignant Hyperthermia Susceptibility; Malignant hyperthermia suceptibility 1. Identifiers: Orphanet 423, MedGen C2930980, MONDO:0007783, OMIM 145600.

Allele frequency attached by ClinVar (database versions not stated): ExAC 0.00001.
gnomAD v4.1: 1 of 1,609,990 alleles (0.000062%); highest among the groups gnomAD compares: East Asian, 0.0022%; no homozygotes.

Submission:

All of Us Research Program, National Institutes of Health
Classification: Uncertain significance for Malignant hyperthermia, susceptibility to, 1. Last evaluated: 2023-06-28. Review status: criteria provided, single submitter. Criteria: ACMG Guidelines, 2015. Collection method: clinical testing. Allele origin: germline. Inheritance: Autosomal dominant inheritance. Observed: 1 variant allele, 1 heterozygote.
Comment: This study involves interpretation of variants in research participants for the purpose of population health screening. Participant phenotype was not available at the time of variant classification. Additional details can be found in publication PMID: 35346344, PMCID: PMC8962531

NM_000540.3(RYR1):c.7529A>G (p.Tyr2510Cys)

Gene: RYR1 (ryanodine receptor 1; plus strand). Cytogenetic location: 19q13.2.
Variant type: single nucleotide variant.
Coding change: c.7529A>G on transcript NM_000540.3 (MANE Select); coding-DNA position 7529, A replaced by G.
Protein change: p.Tyr2510Cys; replaces tyrosine 2510 with cysteine.
Molecular consequence: missense variant.
Genome position (GRCh38, 1-based): chr19:38,500,905, A>G. VCF-style: chr19-38500905-A-G. GRCh37 (hg19) VCF-style: chr19-38991545-A-G.
Other names: c.7529A>G, p.Tyr2510Cys (NM_001042723.2); short protein forms Y2510C.
Identifiers: ClinVar variation 3071704 (VCV003071704.1), dbSNP rs750809993, ClinGen allele CA069750.